The following is an entry in ClinVar:

ClinVar aggregate classification (germline): Pathogenic (1 of 4 stars; one submission).

Conditions:
Microcephaly, normal intelligence and immunodeficiency (NBS). Also called: IMMUNODEFICIENCY, MICROCEPHALY, AND CHROMOSOMAL INSTABILITY; SEEMANOVA SYNDROME II; Nijmegen breakage syndrome; Microcephaly with normal intelligence immunodeficiency and lymphoreticular malignancies; Nonsyndromal microcephaly autosomal recessive with normal intelligence; Seemanova syndrome 2. Identifiers: Orphanet 647, MedGen C0398791, MONDO:0009623, OMIM 251260.

Submission:

Myriad Genetics, Inc.
Classification: Pathogenic for Microcephaly, normal intelligence and immunodeficiency. Last evaluated: 2024-10-07. Review status: criteria provided, single submitter. Criteria: Myriad Autosomal Dominant, Autosomal Recessive and X-Linked Classification Criteria (2023). Collection method: clinical testing. Allele origin: unknown.
Comment: NM_002485.4(NBN):c.769delG(E257Kfs*19) is expected to be pathogenic in the context of Nijmegen breakage syndrome. This variant is predicted to lead to an abnormal or absent protein product due to the creation of a premature termination codon in NBN, a gene where loss-of-function variants are known to be pathogenic. Please note: this variant was assessed in the context of healthy population screening.

NM_002485.5(NBN):c.769del (p.Glu257fs)

Gene: NBN (nibrin; minus strand). Cytogenetic location: 8q21.3.
Variant type: Deletion.
Coding change: c.769del on transcript NM_002485.5 (MANE Select); coding-DNA position 769, one base deleted (G; older notation c.769delG).
Protein change: p.Glu257fs; shifts the reading frame from glutamic acid 257.
Molecular consequence: frameshift variant.
Genome position (GRCh38, 1-based): chr8:89,970,491, C deleted on the plus strand (G on the coding strand, the reverse complement: NBN is on the minus strand). VCF-style (leftmost placement, unchanged base first): chr8-89970490-TC-T. GRCh37 (hg19) VCF-style: chr8-90982718-TC-T.
Other names: c.523del, p.Glu175fs (NM_001024688.3, NM_001440379.1, NM_001440380.1); short protein forms E175fs, E257fs.
Identifiers: ClinVar variation 5013623 (VCV005013623.1).